The following is an entry in ClinVar:

ClinVar aggregate classification (germline): Uncertain significance (1 of 4 stars; one submission).

Conditions:
Inborn genetic diseases. Identifiers: MedGen C0950123, MeSH D030342.

gnomAD v4.1: 1 of 1,614,120 alleles (0.000062%); highest among the groups gnomAD compares: Non-Finnish European, 0.000085%; no homozygotes.

Submission:

Ambry Genetics
Classification: Uncertain significance for Inborn genetic diseases. Last evaluated: 2025-12-21. Review status: criteria provided, single submitter. Criteria: Ambry Variant Classification Scheme 2023. Collection method: clinical testing. Allele origin: germline.
Comment: The p.P60T variant (also known as c.178C>A), located in coding exon 2 of the USB1 gene, results from a C to A substitution at nucleotide position 178. The proline at codon 60 is replaced by threonine, an amino acid with highly similar properties. This amino acid position is conserved. In addition, this alteration is predicted to be tolerated by in silico analysis. Based on the available evidence, the clinical significance of this variant remains unclear.

NM_024598.4(USB1):c.178C>A (p.Pro60Thr)

Gene: USB1 (U6 snRNA biogenesis phosphodiesterase 1; plus strand). Cytogenetic location: 16q21.
Variant type: single nucleotide variant.
Coding change: c.178C>A on transcript NM_024598.4 (MANE Select); coding-DNA position 178, C replaced by A.
Protein change: p.Pro60Thr; replaces proline 60 with threonine.
Molecular consequence: missense variant.
Genome position (GRCh38, 1-based): chr16:58,002,558, C>A. VCF-style: chr16-58002558-C-A. GRCh37 (hg19) VCF-style: chr16-58036462-C-A.
Other names: c.178C>A, p.Pro60Thr (NM_001204911.2, NM_001330569.2, NM_001195302.2); c.25C>A, p.Pro9Thr (NM_001330568.2); short protein forms P60T, P9T.
Identifiers: ClinVar variation 4843183 (VCV004843183.1).